The following is an entry in ClinVar:

ClinVar aggregate classification (germline): Uncertain significance (1 of 4 stars; one submission).

gnomAD v4.1: 1 of 1,612,772 alleles (0.000062%); highest among the groups gnomAD compares: African/African-American, 0.0013%; no homozygotes.

Submission:

Labcorp Genetics (formerly Invitae), Labcorp
Classification: Uncertain significance. Last evaluated: 2025-04-20. Review status: criteria provided, single submitter. Criteria: Invitae Variant Classification Sherloc (09022015). Collection method: clinical testing. Allele origin: germline.
Comment: This sequence change replaces alanine, which is neutral and non-polar, with threonine, which is neutral and polar, at codon 434 of the ALPK3 protein (p.Ala434Thr). This variant is not present in population databases (gnomAD no frequency). This variant has not been reported in the literature in individuals affected with ALPK3-related conditions. Invitae Evidence Modeling of protein sequence and biophysical properties (such as structural, functional, and spatial information, amino acid conservation, physicochemical variation, residue mobility, and thermodynamic stability) indicates that this missense variant is not expected to disrupt ALPK3 protein function with a negative predictive value of 80%. In summary, the available evidence is currently insufficient to determine the role of this variant in disease. Therefore, it has been classified as a Variant of Uncertain Significance.

NM_020778.5(ALPK3):c.694G>A (p.Ala232Thr)

Gene: ALPK3 (alpha kinase 3; plus strand). Cytogenetic location: 15q25.3.
Variant type: single nucleotide variant.
Coding change: c.694G>A on transcript NM_020778.5 (MANE Select); coding-DNA position 694, G replaced by A.
Protein change: p.Ala232Thr; replaces alanine 232 with threonine.
Molecular consequence: missense variant.
Genome position (GRCh38, 1-based): chr15:84,839,973, G>A. VCF-style: chr15-84839973-G-A. GRCh37 (hg19) VCF-style: chr15-85383204-G-A.
Other names: short protein forms A232T.
Identifiers: ClinVar variation 4770500 (VCV004770500.1).